The following is an entry in ClinVar:

ClinVar aggregate classification (germline): Likely benign (1 of 4 stars; one submission).

Allele frequency attached by ClinVar (database versions not stated): gnomAD exomes below 0.00001; TOPMed below 0.00001.
gnomAD v4.1: 3 of 1,612,882 alleles (0.00019%); highest among the groups gnomAD compares: Middle Eastern, 0.016%; no homozygotes.

Submission:

CeGaT Center for Human Genetics Tuebingen
Classification: Likely benign. Last evaluated: 2024-03-01. Review status: criteria provided, single submitter. Criteria: CeGaT Center For Human Genetics Tuebingen Variant Classification Criteria Version 2. Collection method: clinical testing. Allele origin: germline. Affected: yes. Observed: 1 variant allele.
Comment: COL6A2: BP4, BP7

NM_058174.3(COL6A2):c.2511A>G (p.Glu837=)

Gene: COL6A2 (collagen type VI alpha 2 chain; plus strand). Cytogenetic location: 21q22.3.
Variant type: single nucleotide variant.
Coding change: c.2511A>G on transcript NM_058174.3 (MANE Plus Clinical); coding-DNA position 2511, A replaced by G.
Protein change: p.Glu837=; no amino-acid change (glutamic acid 837 retained).
Molecular consequence: synonymous variant. On other transcripts: 3 prime UTR variant (1), intron variant (1).
Genome position (GRCh38, 1-based): chr21:46,129,245, A>G. VCF-style: chr21-46129245-A-G. GRCh37 (hg19) VCF-style: chr21-47549159-A-G.
Other names: c.*317A>G (NM_058175.3); c.2461+2704A>G (NM_001849.4).
Identifiers: ClinVar variation 3024810 (VCV003024810.22), dbSNP rs1211121801, ClinGen allele CA638497916.